The following is an entry in ClinVar:

ClinVar aggregate classification (germline): Uncertain significance (1 of 4 stars; one submission).

Allele frequency attached by ClinVar (database versions not stated): gnomAD exomes below 0.00001.
gnomAD v4.1: 2 of 1,613,996 alleles (0.00012%); highest among the groups gnomAD compares: Non-Finnish European, 0.00017%; no homozygotes.

Submission:

CeGaT Center for Human Genetics Tuebingen
Classification: Uncertain significance. Last evaluated: 2024-06-01. Review status: criteria provided, single submitter. Criteria: CeGaT Center For Human Genetics Tuebingen Variant Classification Criteria Version 2. Collection method: clinical testing. Allele origin: germline. Affected: yes. Observed: 1 variant allele.
Comment: ANKRD11: PM2, BP4

NM_013275.6(ANKRD11):c.1001C>G (p.Pro334Arg)

Gene: ANKRD11 (ankyrin repeat domain 11; minus strand). Cytogenetic location: 16q24.3.
Variant type: single nucleotide variant.
Coding change: c.1001C>G on transcript NM_013275.6 (MANE Select); coding-DNA position 1001, C replaced by G.
Protein change: p.Pro334Arg; replaces proline 334 with arginine.
Molecular consequence: missense variant.
Genome position (GRCh38, 1-based): chr16:89,285,541, G>C on the plus strand (C>G on the coding strand, the complement: ANKRD11 is on the minus strand). VCF-style: chr16-89285541-G-C. GRCh37 (hg19) VCF-style: chr16-89351949-G-C.
Other names: c.1001C>G, p.Pro334Arg (NM_001256182.2, NM_001256183.2); short protein forms P334R.
Identifiers: ClinVar variation 3251040 (VCV003251040.18), dbSNP rs2544246637.
Genomic context (GRCh38, chr16:89,285,541, plus strand): 5'-TCGTCGTCCTCATCAAACTCATACTCGTCCTTGACGGGGGCCGTGGCCTTCTGTGGCTCT[G>C]GGTTCTTGGCCTTGTGCTTGAGGCCTTTTTCGAACTCGGAGTCCGTGTTGTTGCCGTCGA-3'
Protein context (NP_037407.4, residues 324-344): EKGLKHKAKN[Pro334Arg]EPQKATAPVK